The following is an entry in ClinVar:

NM_001161352.2(KCNMA1):c.602+1G>A

Gene: KCNMA1 (potassium calcium-activated channel subfamily M alpha 1; minus strand). Cytogenetic location: 10q22.3.
Variant type: single nucleotide variant.
Coding change: c.602+1G>A on transcript NM_001161352.2 (MANE Select); the canonical splice donor site of the intron after coding-DNA position 602, G replaced by A.
Molecular consequence: splice donor variant.
Genome position (GRCh38, 1-based): chr10:77,251,194, C>T on the plus strand (G>A on the coding strand, the complement: KCNMA1 is on the minus strand). VCF-style: chr10-77251194-C-T. GRCh37 (hg19) VCF-style: chr10-79010952-C-T.
Other names: c.440+1G>A (NM_001271518.2); c.602+1G>A (NM_001322832.2, NM_001410940.1, NM_001437423.1 and 9 more transcripts); c.-15+1G>A (NM_001322838.2); c.734+1G>A (NM_001437422.1).
Identifiers: ClinVar variation 5003112 (VCV005003112.1).

ClinVar aggregate classification (germline): Likely pathogenic (1 of 4 stars; one submission).

Conditions:
Cerebellar atrophy, developmental delay, and seizures. Identifiers: MedGen C4539985, MONDO:0060551, OMIM 617643.

Submission:

OLLIN Analises Genomicas, OLLIN
Classification: Likely pathogenic for Cerebellar atrophy, developmental delay, and seizures. Last evaluated: 2026-08-06. Review status: criteria provided, single submitter. Criteria: ACMG Guidelines 2015 PMID 25741868. Collection method: clinical testing. Allele origin: germline. Inheritance: Autosomal recessive inheritance.
Comment: This variant, located at the canonical splicing site (splice donor), is absent from gnomAD and ClinVar and has not been identified in the literature. This variant is predicted to disrupt a canonical splice site, potentially leading to exon skipping, mRNA degradation via nonsense-mediated decay (NMD), or production of a truncated protein. According to the currently available evidence, this variant has been classified as likely pathogenic (PVS1, PM2_P).